The following is an entry in ClinVar:

ClinVar aggregate classification (germline): Uncertain significance (1 of 4 stars; one submission).

Conditions:
Frontotemporal dementia and/or amyotrophic lateral sclerosis 3. Also called: FTDALS3. Identifiers: Orphanet 275864, Orphanet 275872, Orphanet 803, MedGen C4225326, MONDO:0014640, OMIM 616437.

Allele frequency attached by ClinVar (database versions not stated): gnomAD exomes below 0.00001; ExAC 0.00001; gnomAD 0.00001; 1000 Genomes Project 30x 0.00016; 1000 Genomes Project 0.00020.

Submission:

Molecular Genetics, Royal Melbourne Hospital
Classification: Uncertain significance for Frontotemporal dementia and/or amyotrophic lateral sclerosis 3. Last evaluated: 2022-04-22. Review status: criteria provided, single submitter. Criteria: ACMG Guidelines, 2015. Collection method: clinical testing. Allele origin: germline.
Comment: This sequence change is predicted to replace histidine with tyrosine at codon 436 of the SQSTM1 protein, p.(His436Tyr). The histidine residue is moderately conserved (100 vertebrates, UCSC), and is located in the NTRK1 interaction domain. There is a moderate physicochemical difference between histidine and tyrosine. The variant is present in a single heterozygote in a large population cohort (rs534476029, 1/251,496 alleles in gnomAD v2.1), and has not been reported in the relevant medical literature or databases. Multiple lines of computational evidence predict a deleterious effect for the missense substitution (5/7 algorithms). Based on the classification scheme RMH ACMG Guidelines v1.2.1, this variant is classified as VARIANT OF UNCERTAIN SIGNIFICANCE. Following criteria are met: PM2, PP3.

NM_003900.5(SQSTM1):c.1306C>T (p.His436Tyr)

Gene: SQSTM1 (sequestosome 1; plus strand). Cytogenetic location: 5q35.3.
Variant type: single nucleotide variant.
Coding change: c.1306C>T on transcript NM_003900.5 (MANE Select); coding-DNA position 1306, C replaced by T.
Protein change: p.His436Tyr; replaces histidine 436 with tyrosine.
Molecular consequence: missense variant.
Genome position (GRCh38, 1-based): chr5:179,836,576, C>T. VCF-style: chr5-179836576-C-T. GRCh37 (hg19) VCF-style: chr5-179263576-C-T.
Other names: c.1054C>T, p.His352Tyr (NM_001142298.2, NM_001142299.2); short protein forms H352Y, H436Y.
Identifiers: ClinVar variation 1678573 (VCV001678573.2), dbSNP rs534476029, ClinGen allele CA3600885.